The following is an entry in ClinVar:

NM_000059.4(BRCA2):c.8104G>A (p.Glu2702Lys)

Gene: BRCA2 (BRCA2 DNA repair associated; plus strand). Cytogenetic location: 13q13.1.
Variant type: single nucleotide variant.
Coding change: c.8104G>A on transcript NM_000059.4 (MANE Select); coding-DNA position 8104, G replaced by A.
Protein change: p.Glu2702Lys; replaces glutamic acid 2702 with lysine.
Molecular consequence: missense variant.
Genome position (GRCh38, 1-based): chr13:32,363,306, G>A. VCF-style: chr13-32363306-G-A. GRCh37 (hg19) VCF-style: chr13-32937443-G-A.
Other names: short protein forms E2702K.
Identifiers: ClinVar variation 491345 (VCV000491345.24), dbSNP rs186224762, ClinGen allele CA387749317.
Genomic context (GRCh38, chr13:32,363,306, plus strand): 5'-GCTGCAAAAACACTTGTTCTCTGTGTTTCTGACATAATTTCATTGAGCGCAAATATATCT[G>A]AAACTTCTAGCAATAAAACTAGTAGTGCAGATACCCAAAAAGTGGCCATTATTGAACTTA-3'
Protein context (NP_000050.3, residues 2692-2712): DIISLSANIS[Glu2702Lys]TSSNKTSSAD

ClinVar aggregate classification (germline): Conflicting classifications of pathogenicity. Review status: criteria provided, conflicting classifications (1 of 4 stars). 5 submissions from 5 submitters: Uncertain significance (3); Likely benign (1). 1 of the submissions does not count toward it. Last evaluated 2025-05-19.

Conditions:
Malignant tumor of breast. Also called: Malignant breast neoplasm; Cancer breast. Identifiers: MedGen C0006142, MONDO:0007254. Disease mechanism: loss of function.
Hereditary breast ovarian cancer syndrome. Also called: Hereditary breast and/or ovarian cancer syndrome; BRCA1- and BRCA2-Associated Hereditary Breast and Ovarian Cancer; Breast and ovarian cancer; Hereditary breast and ovarian cancer; Hereditary breast and ovarian cancer syndrome; Hereditary breast and ovarian cancer syndrome (HBOC). Identifiers: Orphanet 145, MedGen C0677776, MeSH D061325, MONDO:0003582. Disease mechanism: loss of function.
Hereditary cancer-predisposing syndrome. Also called: Hereditary neoplastic syndrome; Tumor predisposition; Hereditary Cancer Syndrome; Neoplastic Syndromes, Hereditary. Identifiers: Orphanet 140162, MedGen C0027672, MeSH D009386, MONDO:0015356.

Submissions (5):

Ambry Genetics
Classification: Likely benign for Hereditary cancer-predisposing syndrome. Last evaluated: 2025-05-19. Review status: criteria provided, single submitter. Criteria: Ambry Variant Classification Scheme 2023. Collection method: clinical testing. Allele origin: germline.

Labcorp Genetics (formerly Invitae), Labcorp
Classification: Uncertain significance for Hereditary breast ovarian cancer syndrome. Last evaluated: 2023-12-31. Review status: criteria provided, single submitter. Criteria: Invitae Variant Classification Sherloc (09022015). Collection method: clinical testing. Allele origin: germline.
Comment: This sequence change replaces glutamic acid, which is acidic and polar, with lysine, which is basic and polar, at codon 2702 of the BRCA2 protein (p.Glu2702Lys). This variant is not present in population databases (gnomAD no frequency). This variant has not been reported in the literature in individuals affected with BRCA2-related conditions. ClinVar contains an entry for this variant (Variation ID: 491345). Advanced modeling of protein sequence and biophysical properties (such as structural, functional, and spatial information, amino acid conservation, physicochemical variation, residue mobility, and thermodynamic stability) performed at Invitae indicates that this missense variant is not expected to disrupt BRCA2 protein function with a negative predictive value of 95%. In summary, the available evidence is currently insufficient to determine the role of this variant in disease. Therefore, it has been classified as a Variant of Uncertain Significance.

GeneDx
Classification: Uncertain significance. Last evaluated: 2022-07-29. Review status: criteria provided, single submitter. Criteria: GeneDx Variant Classification Process June 2021. Collection method: clinical testing. Allele origin: germline. Affected: yes.
Comment: Has not been previously published as pathogenic or benign to our knowledge; In silico analysis supports that this missense variant does not alter protein structure/function; Not observed in large population cohorts (gnomAD); Also known as 8332G>A; This variant is associated with the following publications: (PMID: 12228710)

Color Diagnostics, LLC DBA Color Health
Classification: Uncertain significance for Hereditary cancer-predisposing syndrome. Last evaluated: 2019-05-03. Review status: criteria provided, single submitter. Criteria: ACMG Guidelines, 2015. Collection method: clinical testing. Allele origin: germline.

Department of Pathology and Laboratory Medicine, Sinai Health System
Classification: Uncertain significance for Malignant tumor of breast. Review status: no assertion criteria provided. Collection method: clinical testing. Allele origin: unknown. Affected: yes. Study: The Canadian Open Genetics Repository (COGR). Not counted in ClinVar's aggregate classification.
Comment: The BRCA2 p.Glu2702Lys variant was not identified in the literature nor was it identified in the dbSNP, COGR, Cosmic, MutDB, LOVD 3.0, UMD-LSDB, BIC Database, ARUP Laboratories, or Zhejiang University databases. The variant was identified in ClinVar database (classified as uncertain significance by Color Genomics). The variant was not identified in the following control databases: the Exome Aggregation Consortium (August 8th 2016), or the Genome Aggregation Database (Feb 27, 2017). The p.Glu2702Lys residue is not conserved in mammals and four out of five computational analyses (PolyPhen-2, SIFT, AlignGVGD, BLOSUM, MutationTaster) do not suggest a high likelihood of impact to the protein; however, this information is not predictive enough to rule out pathogenicity. The variant occurs outside of the splicing consensus sequence and in silico or computational prediction software programs (SpliceSiteFinder, MaxEntScan, NNSPLICE, GeneSplicer) do not predict a difference in splicing. In summary, based on the above information the clinical significance of this variant cannot be determined with certainty at this time. This variant is classified as a variant of uncertain significance.